The following is an entry in ClinVar:

NM_005477.3(HCN4):c.2422C>T (p.Pro808Ser)

Gene: HCN4 (hyperpolarization activated cyclic nucleotide gated potassium channel 4; minus strand). Cytogenetic location: 15q24.1.
Variant type: single nucleotide variant.
Coding change: c.2422C>T on transcript NM_005477.3 (MANE Select); coding-DNA position 2422, C replaced by T.
Protein change: p.Pro808Ser; replaces proline 808 with serine.
Molecular consequence: missense variant.
Genome position (GRCh38, 1-based): chr15:73,323,671, G>A on the plus strand (C>T on the coding strand, the complement: HCN4 is on the minus strand). VCF-style: chr15-73323671-G-A. GRCh37 (hg19) VCF-style: chr15-73616012-G-A.
Other names: short protein forms P808S.
Identifiers: ClinVar variation 1431151 (VCV001431151.7), dbSNP rs2042879557, ClinGen allele CA393088923.
Genomic context (GRCh38, chr15:73,323,671, plus strand): 5'-GTTTCAGGTGCCTTGGCGTCTGCCCGGCACCGAGGTTGCCCAGCCCAGATCCTGGGGGAG[G>A]GCGGAAGATGGCAGCAGGCAGGCGAGGGTGGTGGGTGAGGGCTATGGCCACAGAAGTGGT-3'
Protein context (NP_005468.1, residues 798-818): HPRLPAAIFR[Pro808Ser]PPGSGLGNLG

ClinVar aggregate classification (germline): Uncertain significance. Review status: criteria provided, multiple submitters, no conflicts (2 of 4 stars). 2 submissions from 2 submitters: Uncertain significance (2). Last evaluated 2025-12-10.

Conditions:
Brugada syndrome 8 (BRGDA8). Identifiers: Orphanet 130, MedGen C2751083, MONDO:0013148, OMIM 613123.
Sick sinus syndrome 2, autosomal dominant (SSS2). Also called: ATRIAL FIBRILLATION WITH BRADYARRHYTHMIA; SINUS BRADYCARDIA SYNDROME, FAMILIAL, AUTOSOMAL DOMINANT; SINUS NODE DISEASE, FAMILIAL, AUTOSOMAL DOMINANT; SICK SINUS SYNDROME 2; SICK SINUS SYNDROME 2 WITH OR WITHOUT CARDIAC NONCOMPACTION AND/OR ASCENDING AORTA DILATION. Identifiers: Orphanet 166282, MedGen C1834144, MONDO:0008102, OMIM 163800.
Epilepsy, idiopathic generalized, susceptibility to, 18. Identifiers: MedGen C5561983, MONDO:0030434, OMIM 619521.

Allele frequency attached by ClinVar (database versions not stated): gnomAD exomes below 0.00001; gnomAD 0.00001; TOPMed 0.00001.

Submissions (2):

Labcorp Genetics (formerly Invitae), Labcorp
Classification: Uncertain significance for Brugada syndrome 8. Last evaluated: 2025-12-10. Review status: criteria provided, single submitter. Criteria: Invitae Variant Classification Sherloc (09022015). Collection method: clinical testing. Allele origin: germline.
Comment: This sequence change replaces proline, which is neutral and non-polar, with serine, which is neutral and polar, at codon 808 of the HCN4 protein (p.Pro808Ser). This variant is not present in population databases (gnomAD no frequency). This variant has not been reported in the literature in individuals affected with HCN4-related conditions. ClinVar contains an entry for this variant (Variation ID: 1431151). Invitae Evidence Modeling of protein sequence and biophysical properties (such as structural, functional, and spatial information, amino acid conservation, physicochemical variation, residue mobility, and thermodynamic stability) indicates that this missense variant is not expected to disrupt HCN4 protein function with a negative predictive value of 95%. In summary, the available evidence is currently insufficient to determine the role of this variant in disease. Therefore, it has been classified as a Variant of Uncertain Significance.

Fulgent Genetics
Classification: Uncertain significance for Sick sinus syndrome 2, autosomal dominant; Brugada syndrome 8; Epilepsy, idiopathic generalized, susceptibility to, 18. Last evaluated: 2021-12-13. Review status: criteria provided, single submitter. Criteria: ACMG Guidelines, 2015. Collection method: clinical testing. Allele origin: unknown.